The following is an entry in ClinVar:

ClinVar aggregate classification (germline): Likely pathogenic. Review status: reviewed by expert panel (3 of 4 stars). 4 submissions from 4 submitters: Likely pathogenic (1). 3 of the submissions do not count toward it. Last evaluated 2019-06-21.

Conditions:
Lynch syndrome. Identifiers: Orphanet 144, MedGen C4552100, MONDO:0005835. Disease mechanism: loss of function.
Hereditary cancer-predisposing syndrome. Also called: Tumor predisposition; Hereditary Cancer Syndrome; Hereditary neoplastic syndrome; Neoplastic Syndromes, Hereditary. Identifiers: Orphanet 140162, MedGen C0027672, MeSH D009386, MONDO:0015356.

Submissions (4):

International Society for Gastrointestinal Hereditary Tumours (InSiGHT)
Classification: Likely pathogenic for Lynch syndrome. Last evaluated: 2019-06-21. Review status: reviewed by expert panel. Criteria: Guidelines v2.4. Collection method: curation. Allele origin: germline. Affected: yes.
Comment: Interrupts canonical donor splice site

Ambry Genetics
Classification: Likely pathogenic for Hereditary cancer-predisposing syndrome. Last evaluated: 2021-12-03. Review status: criteria provided, single submitter. Criteria: Ambry Variant Classification Scheme 2023. Collection method: clinical testing. Allele origin: germline. Not counted in ClinVar's aggregate classification.
Comment: The c.163+2T>C intronic variant results from a T to C substitution two nucleotides after coding exon 2 in the PMS2 gene. Functional analyses using minigene assay and RT-PCR analysis of patient RNA, showed an abnormal transcript with skipping of exon 2 (van der Klift HM et al. Mol Genet Genomic Med, 2015 Jul;3:327-45). This variant is considered to be rare based on population cohorts in the Genome Aggregation Database (gnomAD). This nucleotide position is highly conserved in available vertebrate species. In silico splice site analysis predicts that this alteration will weaken the native splice donor site. In addition to the clinical data presented in the literature, alterations that disrupt the canonical splice site are expected to cause aberrant splicing, resulting in an abnormal protein or a transcript that is subject to nonsense-mediated mRNA decay. As such, this alteration is classified as likely pathogenic.

Clinical Genetics DNA and cytogenetics Diagnostics Lab, Erasmus MC, Erasmus Medical Center
Classification: Pathogenic. Review status: no assertion criteria provided. Collection method: clinical testing. Allele origin: germline. Affected: yes. Study: VKGL Data-share Consensus. Not counted in ClinVar's aggregate classification.

Joint Genome Diagnostic Labs from Nijmegen and Maastricht, Radboudumc and MUMC+
Classification: Pathogenic. Review status: no assertion criteria provided. Collection method: clinical testing. Allele origin: germline. Affected: yes. Study: VKGL Data-share Consensus. Not counted in ClinVar's aggregate classification.

Literature cited by the submitters: PubMed 26247049 (cited by Ambry Genetics).

NM_000535.7(PMS2):c.163+2T>C

Gene: PMS2 (PMS1 homolog 2, mismatch repair system component; minus strand). Cytogenetic location: 7p22.1.
Variant type: single nucleotide variant.
Coding change: c.163+2T>C on transcript NM_000535.7 (MANE Select); the canonical splice donor site of the intron after coding-DNA position 163, T replaced by C.
Molecular consequence: splice donor variant. On other transcripts: intron variant (7).
Genome position (GRCh38, 1-based): chr7:6,005,890, A>G on the plus strand (T>C on the coding strand, the complement: PMS2 is on the minus strand). VCF-style: chr7-6005890-A-G. GRCh37 (hg19) VCF-style: chr7-6045521-A-G.
Other names: c.-52-1832T>C (NM_001322008.2); c.-218-1832T>C (NM_001406881.1); c.-189-1832T>C (NM_001406895.1); c.-242-1832T>C (NM_001406911.1, NM_001322010.2, NM_001322004.2); c.-321-1832T>C (NM_001406879.1); c.-53+2T>C (NM_001406902.1, NM_001406883.1, NM_001406896.1 and 4 more transcripts); c.-190+2T>C (NM_001406904.1, NM_001406889.1, NM_001406909.1 and 5 more transcripts); c.-243+2T>C (NM_001322013.2, NM_001406905.1, NM_001406906.1 and 10 more transcripts); and 7 more.
Identifiers: ClinVar variation 91307 (VCV000091307.7), dbSNP rs587779329, ClinGen allele CA009959.